The following is an entry in ClinVar:

NM_001387430.1(SH2B1):c.2077G>A (p.Val693Ile)

Gene: SH2B1 (SH2B adaptor protein 1; plus strand). Cytogenetic location: 16p11.2.
Variant type: single nucleotide variant.
Coding change: c.2077G>A on transcript NM_001387430.1 (MANE Select); coding-DNA position 2077, G replaced by A.
Protein change: p.Val693Ile; replaces valine 693 with isoleucine.
Molecular consequence: missense variant. On other transcripts: 3 prime UTR variant (5).
Genome position (GRCh38, 1-based): chr16:28,873,626, G>A. VCF-style: chr16-28873626-G-A. GRCh37 (hg19) VCF-style: chr16-28884947-G-A.
Other names: c.2077G>A, p.Val693Ile (NM_001145795.2, NM_001308293.2, NM_001387404.1); c.*161G>A (NM_001145796.2, NM_001145812.2, NM_001308294.2 and 1 more transcripts); c.*178G>A (NM_001145797.2); short protein forms V693I.
Identifiers: ClinVar variation 4995435 (VCV004995435.1).

ClinVar aggregate classification (germline): Uncertain significance (1 of 4 stars; one submission).

Conditions:
SH2B1-related disorder. Also called: SH2B1-related condition.

Submission:

PreventionGenetics, part of Exact Sciences
Classification: Uncertain significance for SH2B1-related condition. Last evaluated: 2026-04-22. Review status: criteria provided, single submitter. Criteria: ACMG Guidelines, 2015. Collection method: clinical testing. Allele origin: germline.
Comment: The SH2B1 c.2077G>A variant is predicted to result in the amino acid substitution p.Val693Ile. To our knowledge, this variant has not been reported in the literature or in a large population database (gnomAD), indicating this variant is rare. At this time, the clinical significance of this variant is uncertain due to the absence of conclusive functional and genetic evidence.